The following is an entry in ClinVar:

NM_000368.5(TSC1):c.561_562del (p.Phe188fs)

Gene: TSC1 (TSC complex subunit 1; minus strand). Cytogenetic location: 9q34.13.
Variant type: Microsatellite.
Coding change: c.561_562del on transcript NM_000368.5 (MANE Select); coding-DNA positions 561 to 562, 2 bases deleted (CT; older notation c.561_562delCT).
Protein change: p.Phe188fs; shifts the reading frame from phenylalanine 188.
Molecular consequence: frameshift variant.
Genome position (GRCh38, 1-based): chr9:132,921,920-132,921,921, AG deleted on the plus strand (CT on the coding strand, the reverse complement: TSC1 is on the minus strand); deleting any 2 consecutive bases within chr9:132,921,920-132,921,923 gives the same sequence; the c. name uses the placement nearest the transcript's 3' end. VCF-style (leftmost placement, unchanged base first): chr9-132921919-AAG-A. GRCh37 (hg19) VCF-style: chr9-135797306-AAG-A.
Other names: c.561_562del, p.Phe188fs (NM_001162426.2); c.408_409del, p.Phe137fs (NM_001162427.2); c.198_199del, p.Phe67fs (NM_001362177.2); c.559_560CT[1], p.Phe188Serfs (NM_001406592.1, NM_001406593.1, NM_001406594.1 and 15 more transcripts); c.406_407CT[1], p.Phe137Serfs (NM_001406610.1, NM_001406611.1, NM_001406612.1 and 1 more transcripts); c.196_197CT[1], p.Phe67Serfs (NM_001406614.1, NM_001406615.1, NM_001406616.1 and 9 more transcripts); c.-319_-318CT[1] (NM_001406626.1, NM_001406627.1, NM_001406628.1); c.-461_-460CT[1] (NM_001406629.1); and 1 more; short protein forms F137fs, F188fs, F67fs.
Identifiers: ClinVar variation 1995146 (VCV001995146.4), dbSNP rs2132157980, ClinGen allele CA2580617126.

ClinVar aggregate classification (germline): Pathogenic (1 of 4 stars; one submission).

Conditions:
Tuberous sclerosis 1 (TSC1). Identifiers: Orphanet 805, MedGen C1854465, MONDO:0008612, OMIM 191100.

Submission:

Labcorp Genetics (formerly Invitae), Labcorp
Classification: Pathogenic for Tuberous sclerosis 1. Last evaluated: 2022-05-16. Review status: criteria provided, single submitter. Criteria: Invitae Variant Classification Sherloc (09022015). Collection method: clinical testing. Allele origin: germline.
Comment: For these reasons, this variant has been classified as Pathogenic. This variant has not been reported in the literature in individuals affected with TSC1-related conditions. This variant is not present in population databases (gnomAD no frequency). This sequence change creates a premature translational stop signal (p.Phe188Serfs*29) in the TSC1 gene. It is expected to result in an absent or disrupted protein product. Loss-of-function variants in TSC1 are known to be pathogenic (PMID: 10227394, 17304050).

Literature cited by the submitters: PubMed 10227394; PubMed 17304050.